The following is an entry in ClinVar:

ClinVar aggregate classification (germline): Uncertain significance. Review status: criteria provided, multiple submitters, no conflicts (2 of 4 stars). 2 submissions from 2 submitters: Uncertain significance (2). Last evaluated 2026-01-19.

Conditions:
Inborn genetic diseases. Identifiers: MedGen C0950123, MeSH D030342.

Allele frequency attached by ClinVar (database versions not stated): TOPMed 0.00006; gnomAD 0.00002; ExAC 0.00001; 1000 Genomes Project 30x 0.00031; 1000 Genomes Project 0.00020.

Submissions (2):

Labcorp Genetics (formerly Invitae), Labcorp
Classification: Uncertain significance. Last evaluated: 2026-01-19. Review status: criteria provided, single submitter. Criteria: Invitae Variant Classification Sherloc (09022015). Collection method: clinical testing. Allele origin: germline.
Comment: This sequence change replaces glutamine, which is neutral and polar, with leucine, which is neutral and non-polar, at codon 280 of the MBD4 protein (p.Gln280Leu). This variant is present in population databases (rs200642994, gnomAD 0.003%). This variant has not been reported in the literature in individuals affected with MBD4-related conditions. ClinVar contains an entry for this variant (Variation ID: 2515226). An algorithm developed to predict the effect of missense changes on protein structure and function (PolyPhen-2) suggests that this variant is likely to be disruptive. In summary, the available evidence is currently insufficient to determine the role of this variant in disease. Therefore, it has been classified as a Variant of Uncertain Significance.

Ambry Genetics
Classification: Uncertain significance for Inborn genetic diseases. Last evaluated: 2023-05-01. Review status: criteria provided, single submitter. Criteria: Ambry Variant Classification Scheme 2023. Collection method: clinical testing. Allele origin: germline.

NM_001276270.2(MBD4):c.839A>T (p.Gln280Leu)

Gene: MBD4 (methyl-CpG binding domain 4, DNA glycosylase; minus strand). Cytogenetic location: 3q21.3.
Variant type: single nucleotide variant.
Coding change: c.839A>T on transcript NM_001276270.2 (MANE Select); coding-DNA position 839, A replaced by T.
Protein change: p.Gln280Leu; replaces glutamine 280 with leucine.
Molecular consequence: missense variant. On other transcripts: intron variant (1).
Genome position (GRCh38, 1-based): chr3:129,436,805, T>A on the plus strand (A>T on the coding strand, the complement: MBD4 is on the minus strand). VCF-style: chr3-129436805-T-A. GRCh37 (hg19) VCF-style: chr3-129155648-T-A.
Other names: c.839A>T, p.Gln280Leu (NM_001276271.2, NM_001276272.2, NM_003925.3); c.247+1003A>T (NM_001276273.2); short protein forms Q280L.
Identifiers: ClinVar variation 2515226 (VCV002515226.4), dbSNP rs200642994, ClinGen allele CA2605459.